The following is an entry in ClinVar:

ClinVar aggregate classification (germline): Uncertain significance. Review status: criteria provided, multiple submitters, no conflicts (2 of 4 stars). 3 submissions from 3 submitters: Uncertain significance (3). Last evaluated 2025-10-17.

Conditions:
Autosomal dominant limb-girdle muscular dystrophy type 1F (LGMDD2). Also called: Limb-girdle muscular dystrophy, type 1F; MUSCULAR DYSTROPHY, LIMB-GIRDLE, AUTOSOMAL DOMINANT 2. Identifiers: Orphanet 55595, MedGen C1842062, MONDO:0012034, OMIM 608423.
Inborn genetic diseases. Identifiers: MedGen C0950123, MeSH D030342.

Allele frequency attached by ClinVar (database versions not stated): ExAC 0.00003; gnomAD exomes 0.00004 and 0.00005; gnomAD 0.00006 and 0.00009; ESP Exome Variant Server 0.00008; TOPMed 0.00008.
gnomAD v4.1: 84 of 1,614,068 alleles (0.0052%); highest among the groups gnomAD compares: African/African-American, 0.015%; no homozygotes.

Submissions (3):

Labcorp Genetics (formerly Invitae), Labcorp
Classification: Uncertain significance for Autosomal dominant limb-girdle muscular dystrophy type 1F. Last evaluated: 2025-10-17. Review status: criteria provided, single submitter. Criteria: Invitae Variant Classification Sherloc (09022015). Collection method: clinical testing. Allele origin: germline.
Comment: This sequence change replaces valine, which is neutral and non-polar, with isoleucine, which is neutral and non-polar, at codon 473 of the TNPO3 protein (p.Val473Ile). This variant is present in population databases (rs150330408, gnomAD 0.02%). This variant has not been reported in the literature in individuals affected with TNPO3-related conditions. ClinVar contains an entry for this variant (Variation ID: 533435). Invitae Evidence Modeling of protein sequence and biophysical properties (such as structural, functional, and spatial information, amino acid conservation, physicochemical variation, residue mobility, and thermodynamic stability) indicates that this missense variant is not expected to disrupt TNPO3 protein function with a negative predictive value of 80%. In summary, the available evidence is currently insufficient to determine the role of this variant in disease. Therefore, it has been classified as a Variant of Uncertain Significance.

Ambry Genetics
Classification: Uncertain significance for Inborn genetic diseases. Last evaluated: 2022-03-25. Review status: criteria provided, single submitter. Criteria: Ambry Variant Classification Scheme 2023. Collection method: clinical testing. Allele origin: germline.

Revvity Omics, Revvity
Classification: Uncertain significance for Autosomal dominant limb-girdle muscular dystrophy type 1F. Last evaluated: 2019-04-02. Review status: criteria provided, single submitter. Criteria: ACMG Guidelines, 2015. Collection method: clinical testing. Allele origin: germline.

NM_012470.4(TNPO3):c.1417G>A (p.Val473Ile)

Gene: TNPO3 (transportin 3; minus strand). Cytogenetic location: 7q32.1.
Variant type: single nucleotide variant.
Coding change: c.1417G>A on transcript NM_012470.4 (MANE Select); coding-DNA position 1417, G replaced by A.
Protein change: p.Val473Ile; replaces valine 473 with isoleucine.
Molecular consequence: missense variant. On other transcripts: non-coding transcript variant (18).
Genome position (GRCh38, 1-based): chr7:128,990,042, C>T on the plus strand (G>A on the coding strand, the complement: TNPO3 is on the minus strand). VCF-style: chr7-128990042-C-T. GRCh37 (hg19) VCF-style: chr7-128630096-C-T.
Other names: c.1417G>A, p.Val473Ile (NM_001191028.3, NM_001382218.1, NM_001382220.1 and 1 more transcripts); c.1519G>A, p.Val507Ile (NM_001382216.1); c.1498G>A, p.Val500Ile (NM_001382217.1); c.1309G>A, p.Val437Ile (NM_001382219.1); c.1273G>A, p.Val425Ile (NM_001382221.1); c.1270G>A, p.Val424Ile (NM_001382222.1); short protein forms V473I, V424I, V425I, V437I, V500I, V507I.
Identifiers: ClinVar variation 533435 (VCV000533435.12), dbSNP rs150330408, ClinGen allele CA4478137.